The following is an entry in ClinVar:

NM_017780.4(CHD7):c.8367G>A (p.Ala2789=)

Gene: CHD7 (chromodomain helicase DNA binding protein 7; plus strand). Cytogenetic location: 8q12.2.
Variant type: single nucleotide variant.
Coding change: c.8367G>A on transcript NM_017780.4 (MANE Select); coding-DNA position 8367, G replaced by A.
Protein change: p.Ala2789=; no amino-acid change (alanine 2789 retained).
Molecular consequence: synonymous variant.
Genome position (GRCh38, 1-based): chr8:60,865,306, G>A. VCF-style: chr8-60865306-G-A. GRCh37 (hg19) VCF-style: chr8-61777865-G-A.
Other names: c.2220G>A, p.Ala740= (NM_001316690.1).
Identifiers: ClinVar variation 589754 (VCV000589754.22), dbSNP rs752708986, ClinGen allele CA4761000.

ClinVar aggregate classification (germline): Likely benign. Review status: criteria provided, multiple submitters, no conflicts (2 of 4 stars). 4 submissions from 4 submitters: Likely benign (4). Last evaluated 2025-07-01.

Conditions:
Inborn genetic diseases. Identifiers: MedGen C0950123, MeSH D030342.
CHARGE syndrome (CHARGE). Also called: Coloboma, heart anomaly, choanal atresia, retardation, genital and ear anomalies; CHARGE association; Hall-Hittner syndrome; Hittner Hirsch Kreh syndrome; CHARGE ASSOCIATION--COLOBOMA, HEART ANOMALY, CHOANAL ATRESIA, RETARDATION, GENITAL AND EAR ANOMALIES. Identifiers: Orphanet 138, MedGen C0265354, MONDO:0008965.
Hypogonadotropic hypogonadism 5 with or without anosmia (KAL5). Also called: HYPOGONADOTROPIC HYPOGONADISM 5 WITH ANOSMIA; HYPOGONADOTROPHIC HYPOGONADISM 5 WITHOUT ANOSMIA; CHD7-Related GnRH Deficiency (Kallmann Syndrome 5). Identifiers: Orphanet 478, MedGen C3552553, MONDO:0012880, OMIM 612370. Disease mechanism: loss of function.

Allele frequency attached by ClinVar (database versions not stated): gnomAD 0.00002; gnomAD exomes 0.00002; ExAC 0.00003; TOPMed 0.00004.
gnomAD v4.1: 111 of 1,611,078 alleles (0.0069%); highest among the groups gnomAD compares: Admixed American, 0.01%; no homozygotes.

Submissions (4):

CeGaT Center for Human Genetics Tuebingen
Classification: Likely benign. Last evaluated: 2025-07-01. Review status: criteria provided, single submitter. Criteria: CeGaT Center For Human Genetics Tuebingen Variant Classification Criteria Version 2. Collection method: clinical testing. Allele origin: germline. Affected: yes. Observed: 1 variant allele.
Comment: CHD7: BP4, BP7

Labcorp Genetics (formerly Invitae), Labcorp
Classification: Likely benign for CHARGE syndrome. Last evaluated: 2025-06-22. Review status: criteria provided, single submitter. Criteria: Invitae Variant Classification Sherloc (09022015). Collection method: clinical testing. Allele origin: germline.

Fulgent Genetics
Classification: Likely benign for CHD7-related CHARGE syndrome; Hypogonadotropic hypogonadism 5 with or without anosmia. Last evaluated: 2022-03-16. Review status: criteria provided, single submitter. Criteria: ACMG Guidelines, 2015. Collection method: clinical testing. Allele origin: unknown.

Ambry Genetics
Classification: Likely benign for Inborn genetic diseases. Last evaluated: 2017-03-28. Review status: criteria provided, single submitter. Criteria: Ambry Variant Classification Scheme 2023. Collection method: clinical testing. Allele origin: germline.